The following is an entry in ClinVar:

ClinVar aggregate classification (germline): Uncertain significance (1 of 4 stars; one submission).

gnomAD v4.1: 13 of 1,102,945 alleles (0.0012%); highest among the groups gnomAD compares: Non-Finnish European, 0.0014%; no homozygotes.

Submission:

Greenwood Genetic Center Diagnostic Laboratories, Greenwood Genetic Center
Classification: Uncertain significance. Last evaluated: 2022-04-08. Review status: criteria provided, single submitter. Criteria: ACMG Guidelines, 2015. Collection method: clinical testing. Allele origin: germline. Affected: yes.
Comment: Gene of Uncertain Significance

NM_017514.5(PLXNA3):c.589A>C (p.Ser197Arg)

Gene: PLXNA3 (plexin A3; plus strand). Cytogenetic location: Xq28.
Variant type: single nucleotide variant.
Coding change: c.589A>C on transcript NM_017514.5 (MANE Select); coding-DNA position 589, A replaced by C.
Protein change: p.Ser197Arg; replaces serine 197 with arginine.
Molecular consequence: missense variant.
Genome position (GRCh38, 1-based): chrX:154,460,772, A>C. VCF-style: chrX-154460772-A-C. GRCh37 (hg19) VCF-style: chrX-153689112-A-C.
Other names: short protein forms S197R.
Identifiers: ClinVar variation 1703096 (VCV001703096.3), dbSNP rs782463423, ClinGen allele CA415230453.